The following is an entry in ClinVar:

NM_001013703.4(EIF2AK4):c.1217C>G (p.Thr406Arg)

Gene: EIF2AK4 (eukaryotic translation initiation factor 2 alpha kinase 4; plus strand). Cytogenetic location: 15q15.1.
Variant type: single nucleotide variant.
Coding change: c.1217C>G on transcript NM_001013703.4 (MANE Select); coding-DNA position 1217, C replaced by G.
Protein change: p.Thr406Arg; replaces threonine 406 with arginine.
Molecular consequence: missense variant.
Genome position (GRCh38, 1-based): chr15:39,967,543, C>G. VCF-style: chr15-39967543-C-G. GRCh37 (hg19) VCF-style: chr15-40259744-C-G.
Other names: short protein forms T406R.
Identifiers: ClinVar variation 2184803 (VCV002184803.4), dbSNP rs2504556640, ClinGen allele CA391679293.

ClinVar aggregate classification (germline): Uncertain significance (1 of 4 stars; one submission).

Submission:

Labcorp Genetics (formerly Invitae), Labcorp
Classification: Uncertain significance. Last evaluated: 2022-08-07. Review status: criteria provided, single submitter. Criteria: Invitae Variant Classification Sherloc (09022015). Collection method: clinical testing. Allele origin: germline.
Comment: Advanced modeling of protein sequence and biophysical properties (such as structural, functional, and spatial information, amino acid conservation, physicochemical variation, residue mobility, and thermodynamic stability) performed at Invitae indicates that this missense variant is expected to disrupt EIF2AK4 protein function. In summary, the available evidence is currently insufficient to determine the role of this variant in disease. Therefore, it has been classified as a Variant of Uncertain Significance. This missense change has been observed in individual(s) with EIF2AK4-related conditions (Invitae). This variant is not present in population databases (gnomAD no frequency). This sequence change replaces threonine, which is neutral and polar, with arginine, which is basic and polar, at codon 406 of the EIF2AK4 protein (p.Thr406Arg).